The following is an entry in ClinVar:

NM_001126108.2(SLC12A3):c.1926-377_2121del

Gene: SLC12A3 (solute carrier family 12 member 3; plus strand). Cytogenetic location: 16q13.
Variant type: Deletion.
Coding change: c.1926-377_2121del on transcript NM_001126108.2 (MANE Select); 377 bases into the intron before coding-DNA position 1926 through coding-DNA position 2121, 1,050 bases deleted.
Molecular consequence: splice acceptor variant, splice donor variant.
Genome position (GRCh38, 1-based): chr16:56,885,987-56,887,036, 1,050 bases deleted. GRCh37 (hg19): chr16:56,919,899-56,920,948.
Other names: c.1926-377_2121del (NM_000339.3); c.1923-377_2118del (NM_001126107.2).
Identifiers: ClinVar variation 656763 (VCV000656763.1), ClinGen allele CA915949274.

ClinVar aggregate classification (germline): Likely pathogenic (1 of 4 stars; one submission).

Submission:

Labcorp Genetics (formerly Invitae), Labcorp
Classification: Likely pathogenic. Last evaluated: 2018-09-11. Review status: criteria provided, single submitter. Criteria: Invitae Variant Classification Sherloc (09022015). Collection method: clinical testing. Allele origin: germline.
Comment: This variant is a deletion of the genomic region encompassing exon 16 and part of exon 17 (c.1926-380_2118del) of the SLC12A3 gene. It is expected to disrupt RNA splicing and likely results in an absent or disrupted protein product. This variant has not been reported in the literature in individuals with SLC12A3-related disease. Loss-of-function variants in SLC12A3 are known to be pathogenic (PMID: 20848653, 22009145, 25841442). In summary, the currently available evidence indicates that the variant is pathogenic, but additional data are needed to prove that conclusively. Therefore, this variant has been classified as Likely Pathogenic.